The following is an entry in ClinVar:

ClinVar aggregate classification (germline): Pathogenic (1 of 4 stars; one submission).

Submission:

Labcorp Genetics (formerly Invitae), Labcorp
Classification: Pathogenic. Last evaluated: 2023-08-29. Review status: criteria provided, single submitter. Criteria: Invitae Variant Classification Sherloc (09022015). Collection method: clinical testing. Allele origin: unknown.
Comment: This variant is a gross deletion of the genomic region encompassing exon(s) 1-7 of the UNC80 gene, which includes the initiator codon. This deletion extends beyond the assayed region for this gene and therefore may encompass additional genes. It is expected to result in an absent or disrupted protein product. Loss-of-function variants in UNC80 are known to be pathogenic (PMID: 26545877, 26708751, 26708753). This variant has not been reported in the literature in individuals affected with UNC80-related conditions. For these reasons, this variant has been classified as Pathogenic.

Literature cited by the submitters: PubMed 26545877; PubMed 26708751; PubMed 26708753.

NC_000002.11:g.(?_210636797)_(210658603_?)del

Gene: UNC80 (unc-80 homolog, NALCN channel complex subunit; plus strand). Cytogenetic location: 2q34.
Variant type: Deletion.
Identifiers: ClinVar variation 3247573 (VCV003247573.1).